The following is an entry in ClinVar:

ClinVar aggregate classification (germline): Benign/Likely benign. Review status: criteria provided, multiple submitters, no conflicts (2 of 4 stars). 4 submissions from 4 submitters: Benign (1); Likely benign (2). 1 of the submissions does not count toward it. Last evaluated 2025-12-15.

Conditions:
MYH9-related disorder. Identifiers: MedGen C1854520.

Allele frequency attached by ClinVar (database versions not stated): gnomAD exomes 0.00003; TOPMed 0.00007; ExAC 0.00009; gnomAD 0.00012; ESP Exome Variant Server 0.00015; 1000 Genomes Project 30x 0.00078; 1000 Genomes Project 0.00100.
gnomAD v4.1: 78 of 1,614,100 alleles (0.0048%); highest among the groups gnomAD compares: Middle Eastern, 0.15%; no homozygotes.

Submissions (4):

Labcorp Genetics (formerly Invitae), Labcorp
Classification: Benign. Last evaluated: 2025-12-15. Review status: criteria provided, single submitter. Criteria: Invitae Variant Classification Sherloc (09022015). Collection method: clinical testing. Allele origin: germline.

Women's Health and Genetics/Laboratory Corporation of America, LabCorp
Classification: Likely benign. Last evaluated: 2025-03-04. Review status: criteria provided, single submitter. Criteria: LabCorp Variant Classification Summary - May 2015. Collection method: clinical testing. Allele origin: germline.

Blueprint Genetics
Classification: Likely benign. Last evaluated: 2024-10-24. Review status: criteria provided, single submitter. Criteria: ACMG Guidelines, 2015. Collection method: clinical testing. Allele origin: germline.

PreventionGenetics, part of Exact Sciences
Classification: Likely benign for MYH9-related condition. Last evaluated: 2019-05-22. Review status: no assertion criteria provided. Collection method: clinical testing. Allele origin: germline. Not counted in ClinVar's aggregate classification.
Comment: This variant is classified as likely benign based on ACMG/AMP sequence variant interpretation guidelines (Richards et al. 2015 PMID: 25741868, with internal and published modifications).

NM_002473.6(MYH9):c.3693C>T (p.Asn1231=)

Gene: MYH9 (myosin heavy chain 9; minus strand). Cytogenetic location: 22q12.3.
Variant type: single nucleotide variant.
Coding change: c.3693C>T on transcript NM_002473.6 (MANE Select); coding-DNA position 3693, C replaced by T.
Protein change: p.Asn1231=; no amino-acid change (asparagine 1231 retained).
Molecular consequence: synonymous variant.
Genome position (GRCh38, 1-based): chr22:36,294,236, G>A on the plus strand (C>T on the coding strand, the complement: MYH9 is on the minus strand). VCF-style: chr22-36294236-G-A. GRCh37 (hg19) VCF-style: chr22-36690282-G-A.
Identifiers: ClinVar variation 2891599 (VCV002891599.7), dbSNP rs148043336, ClinGen allele CA10209591.